The following is an entry in ClinVar:

NM_032119.4(ADGRV1):c.18079C>T (p.Leu6027Phe)

Gene: ADGRV1 (adhesion G protein-coupled receptor V1; plus strand). Cytogenetic location: 5q14.3.
Variant type: single nucleotide variant.
Coding change: c.18079C>T on transcript NM_032119.4 (MANE Select); coding-DNA position 18079, C replaced by T.
Protein change: p.Leu6027Phe; replaces leucine 6027 with phenylalanine.
Molecular consequence: missense variant. On other transcripts: non-coding transcript variant (1).
Genome position (GRCh38, 1-based): chr5:90,985,449, C>T. VCF-style: chr5-90985449-C-T. GRCh37 (hg19) VCF-style: chr5-90281266-C-T.
Other names: short protein forms L6027F.
Identifiers: ClinVar variation 963150 (VCV000963150.8), dbSNP rs994347057, ClinGen allele CA122930914.

ClinVar aggregate classification (germline): Uncertain significance. Review status: criteria provided, multiple submitters, no conflicts (2 of 4 stars). 2 submissions from 2 submitters: Uncertain significance (2). Last evaluated 2021-08-26.

Allele frequency attached by ClinVar (database versions not stated): gnomAD exomes below 0.00001; gnomAD 0.00001; TOPMed 0.00001.
gnomAD v4.1: 16 of 1,613,568 alleles (0.00099%); highest among the groups gnomAD compares: Non-Finnish European, 0.0014%; no homozygotes.

Submissions (2):

Labcorp Genetics (formerly Invitae), Labcorp
Classification: Uncertain significance. Last evaluated: 2021-08-26. Review status: criteria provided, single submitter. Criteria: Invitae Variant Classification Sherloc (09022015). Collection method: clinical testing. Allele origin: germline.
Comment: This sequence change replaces leucine with phenylalanine at codon 6027 of the ADGRV1 protein (p.Leu6027Phe). The leucine residue is moderately conserved and there is a small physicochemical difference between leucine and phenylalanine. This variant is not present in population databases (ExAC no frequency). This variant has not been reported in the literature in individuals affected with ADGRV1-related conditions. Algorithms developed to predict the effect of missense changes on protein structure and function are either unavailable or do not agree on the potential impact of this missense change (SIFT: "Deleterious"; PolyPhen-2: "Probably Damaging"; Align-GVGD: "Class C0"). In summary, the available evidence is currently insufficient to determine the role of this variant in disease. Therefore, it has been classified as a Variant of Uncertain Significance.

Blueprint Genetics
Classification: Uncertain significance. Last evaluated: 2019-03-12. Review status: criteria provided, single submitter. Criteria: ACMG Guidelines, 2015. Collection method: clinical testing. Allele origin: germline.